The following is an entry in ClinVar:

ClinVar aggregate classification (germline): Benign. Review status: criteria provided, multiple submitters, no conflicts (2 of 4 stars). 10 submissions from 10 submitters: Benign (10). Last evaluated 2026-02-04.

Conditions:
Aortic aneurysm, familial thoracic 8 (AAT8). Identifiers: MedGen C3809513, MONDO:0014187, OMIM 615436.
Familial thoracic aortic aneurysm and aortic dissection (TAAD). Also called: Thoracic aortic aneurysms and dissections. Identifiers: Orphanet 91387, MedGen C4707243, MONDO:0019625.

Allele frequency attached by ClinVar (database versions not stated): 1000 Genomes Project 30x 0.00828; 1000 Genomes Project 0.00859; TOPMed 0.01594; ESP Exome Variant Server 0.01661; ExAC 0.01681; gnomAD exomes 0.01721 and 0.02016; gnomAD 0.01729 and 0.01754.
gnomAD v4.1: 32,107 of 1,612,374 alleles (2%); highest among the groups gnomAD compares: Middle Eastern, 2.5%; 434 homozygotes.

Submissions (10):

Labcorp Genetics (formerly Invitae), Labcorp
Classification: Benign for Aortic aneurysm, familial thoracic 8. Last evaluated: 2026-02-04. Review status: criteria provided, single submitter. Criteria: Invitae Variant Classification Sherloc (09022015). Collection method: clinical testing. Allele origin: germline.

ARUP Laboratories, Molecular Genetics and Genomics, ARUP Laboratories
Classification: Benign for Aortic aneurysm, familial thoracic 8. Last evaluated: 2025-05-09. Review status: criteria provided, single submitter. Criteria: ARUP Molecular Germline Variant Investigation Process 2024. Collection method: clinical testing. Allele origin: germline.

Molecular Diagnostic Laboratory for Inherited Cardiovascular Disease, Montreal Heart Institute
Classification: Benign. Last evaluated: 2025-04-09. Review status: criteria provided, single submitter. Criteria: ACMG Guidelines, 2015. Collection method: clinical testing. Allele origin: germline. Affected: no.

Blueprint Genetics
Classification: Benign. Last evaluated: 2024-11-27. Review status: criteria provided, single submitter. Criteria: ACMG Guidelines, 2015. Collection method: clinical testing. Allele origin: germline.

Mayo Clinic Laboratories, Mayo Clinic
Classification: Benign. Last evaluated: 2024-02-16. Review status: criteria provided, single submitter. Criteria: ACMG Guidelines, 2015. Collection method: clinical testing. Allele origin: germline. Observed: 66 variant alleles.
Comment: BS1, BS2, BP4, BP7

Women's Health and Genetics/Laboratory Corporation of America, LabCorp
Classification: Benign. Last evaluated: 2023-07-21. Review status: criteria provided, single submitter. Criteria: LabCorp Variant Classification Summary - May 2015. Collection method: clinical testing. Allele origin: germline.

CHEO Genetics Diagnostic Laboratory, Children's Hospital of Eastern Ontario
Classification: Benign for Familial thoracic aortic aneurysm and aortic dissection. Last evaluated: 2022-12-13. Review status: criteria provided, single submitter. Criteria: ACMG Guidelines, 2015. Collection method: clinical testing. Allele origin: germline.

GeneDx
Classification: Benign. Last evaluated: 2016-09-27. Review status: criteria provided, single submitter. Criteria: GeneDx Variant Classification (06012015). Collection method: clinical testing. Allele origin: germline. Affected: yes.
Comment: This variant is considered likely benign or benign based on one or more of the following criteria: it is a conservative change, it occurs at a poorly conserved position in the protein, it is predicted to be benign by multiple in silico algorithms, and/or has population frequency not consistent with disease.

Ambry Genetics
Classification: Benign for Familial thoracic aortic aneurysm and aortic dissection. Last evaluated: 2015-01-30. Review status: criteria provided, single submitter. Criteria: Ambry Variant Classification Scheme 2023. Collection method: clinical testing. Allele origin: germline.

Breakthrough Genomics
Classification: Benign. Review status: criteria provided, single submitter. Criteria: ACMG Guidelines, 2015. Collection method: not provided. Allele origin: germline. Inheritance: Autosomal dominant inheritance. Affected: yes.

NM_006258.4(PRKG1):c.408G>A (p.Pro136=)

Gene: PRKG1 (protein kinase cGMP-dependent 1; plus strand). Cytogenetic location: 10q21.1.
Variant type: single nucleotide variant.
Coding change: c.408G>A on transcript NM_006258.4 (MANE Select); coding-DNA position 408, G replaced by A.
Protein change: p.Pro136=; no amino-acid change (proline 136 retained).
Molecular consequence: synonymous variant.
Genome position (GRCh38, 1-based): chr10:51,153,260, G>A. VCF-style: chr10-51153260-G-A. GRCh37 (hg19) VCF-style: chr10-52913020-G-A.
Other names: p.Pro136=; c.408G>A, p.Pro136= (LRG_1135t1); c.363G>A, p.Pro121= (NM_001098512.3, LRG_1135t2).
Identifiers: ClinVar variation 220801 (VCV000220801.35), dbSNP rs55806342, ClinGen allele CA349822.